The following is an entry in ClinVar:

ClinVar aggregate classification (germline): Uncertain significance. Review status: criteria provided, multiple submitters, no conflicts (2 of 4 stars). 6 submissions from 6 submitters: Uncertain significance (6). Last evaluated 2026-03-05.

Conditions:
Inborn genetic diseases. Identifiers: MedGen C0950123, MeSH D030342.
Ullrich congenital muscular dystrophy 2 (UCMD2). Identifiers: Orphanet 75840, MedGen C4225314, MONDO:0014654, OMIM 616470.
Bethlem myopathy 2 (BTHLM2). Identifiers: Orphanet 536516, Orphanet 610, MedGen C4225313, MONDO:0034022, OMIM 616471.

Allele frequency attached by ClinVar (database versions not stated): gnomAD exomes 0.00008 and 0.00004; gnomAD 0.00003 and 0.00004; TOPMed 0.00003; 1000 Genomes Project 30x 0.00016; 1000 Genomes Project 0.00020; ExAC 0.00003.
gnomAD v4.1: 117 of 1,614,032 alleles (0.0072%); highest among the groups gnomAD compares: Middle Eastern, 0.033%; no homozygotes.

Submissions (6):

Women's Health and Genetics/Laboratory Corporation of America, LabCorp
Classification: Uncertain significance. Last evaluated: 2026-03-05. Review status: criteria provided, single submitter. Criteria: LabCorp Variant Classification Summary - May 2015. Collection method: clinical testing. Allele origin: germline.
Comment: Variant summary: COL12A1 c.2696G>A (p.Gly899Glu) results in a non-conservative amino acid change in the encoded protein sequence. Algorithms developed to predict the effect of missense changes on protein structure and function are either unavailable or do not agree on the potential impact of this missense change. The variant allele was found at a frequency of 3.6e-05 in 248718 control chromosomes. The available data on variant occurrences in the general population are insufficient to allow any conclusion about variant significance. To our knowledge, no occurrence of c.2696G>A in individuals affected with COL12A1-related conditions and no experimental evidence demonstrating its impact on protein function have been reported. ClinVar contains an entry for this variant (Variation ID: 475851). Based on the evidence outlined above, the variant was classified as uncertain significance.

Labcorp Genetics (formerly Invitae), Labcorp
Classification: Uncertain significance for Bethlem myopathy 2; Ullrich congenital muscular dystrophy 2. Last evaluated: 2026-01-06. Review status: criteria provided, single submitter. Criteria: Invitae Variant Classification Sherloc (09022015). Collection method: clinical testing. Allele origin: germline.
Comment: This sequence change replaces glycine, which is neutral and non-polar, with glutamic acid, which is acidic and polar, at codon 899 of the COL12A1 protein (p.Gly899Glu). This variant is present in population databases (rs201382636, gnomAD 0.007%). This variant has not been reported in the literature in individuals affected with COL12A1-related conditions. ClinVar contains an entry for this variant (Variation ID: 475851). Invitae Evidence Modeling of protein sequence and biophysical properties (such as structural, functional, and spatial information, amino acid conservation, physicochemical variation, residue mobility, and thermodynamic stability) indicates that this missense variant is not expected to disrupt COL12A1 protein function with a negative predictive value of 80%. In summary, the available evidence is currently insufficient to determine the role of this variant in disease. Therefore, it has been classified as a Variant of Uncertain Significance.

Ambry Genetics
Classification: Uncertain significance for Inborn genetic diseases. Last evaluated: 2025-02-20. Review status: criteria provided, single submitter. Criteria: Ambry Variant Classification Scheme 2023. Collection method: clinical testing. Allele origin: germline.

Mayo Clinic Laboratories, Mayo Clinic
Classification: Uncertain significance. Last evaluated: 2024-08-27. Review status: criteria provided, single submitter. Criteria: ACMG Guidelines, 2015. Collection method: clinical testing. Allele origin: germline. Observed: 1 variant allele.

GeneDx
Classification: Uncertain significance. Last evaluated: 2024-03-04. Review status: criteria provided, single submitter. Criteria: GeneDx Variant Classification Process June 2021. Collection method: clinical testing. Allele origin: germline.
Comment: Has not been previously published as pathogenic or benign to our knowledge; In silico analysis supports that this missense variant has a deleterious effect on protein structure/function

Revvity Omics, Revvity
Classification: Uncertain significance. Last evaluated: 2019-07-19. Review status: criteria provided, single submitter. Criteria: ACMG Guidelines, 2015. Collection method: clinical testing. Allele origin: germline.

NM_004370.6(COL12A1):c.2696G>A (p.Gly899Glu)

Gene: COL12A1 (collagen type XII alpha 1 chain; minus strand). Cytogenetic location: 6q13.
Variant type: single nucleotide variant.
Coding change: c.2696G>A on transcript NM_004370.6 (MANE Select); coding-DNA position 2696, G replaced by A.
Protein change: p.Gly899Glu; replaces glycine 899 with glutamic acid.
Molecular consequence: missense variant. On other transcripts: intron variant (1).
Genome position (GRCh38, 1-based): chr6:75,175,052, C>T on the plus strand (G>A on the coding strand, the complement: COL12A1 is on the minus strand). VCF-style: chr6-75175052-C-T. GRCh37 (hg19) VCF-style: chr6-75884768-C-T.
Other names: p.Gly899Glu; c.74-22570G>A (NM_080645.3); short protein forms G899E.
Identifiers: ClinVar variation 475851 (VCV000475851.21), dbSNP rs201382636, ClinGen allele CA3893911.
Genomic context (GRCh38, chr6:75,175,052, plus strand): 5'-ACCACAAACAAGTTCCTGGATTTTCAGAAAATATGATGGTAATTACCTTCAAGTGTTGTT[C>T]CTTCACCAAAGAGGGCGTCTCCAGCCCCAGACGCATACAAGGCTGTCACAGATAAGGCGT-3'
Protein context (NP_004361.3, residues 889-909): SGAGDALFGE[Gly899Glu]TTLEERGSPQ